The following is an entry in ClinVar:

NM_001034853.2(RPGR):c.310+167G>A

Gene: RPGR (retinitis pigmentosa GTPase regulator; minus strand). Cytogenetic location: Xp11.4.
Variant type: single nucleotide variant.
Coding change: c.310+167G>A on transcript NM_001034853.2 (MANE Select); 167 bases into the intron after coding-DNA position 310, G replaced by A.
Molecular consequence: intron variant.
Genome position (GRCh38, 1-based): chrX:38,320,860, C>T on the plus strand (G>A on the coding strand, the complement: RPGR is on the minus strand). VCF-style: chrX-38320860-C-T. GRCh37 (hg19) VCF-style: chrX-38180113-C-T.
Other names: c.310+167G>A (NM_001367249.1, NM_001367250.1, NM_001367245.1 and 4 more transcripts); c.340+167G>A (NM_001367248.1).
Identifiers: ClinVar variation 1293925 (VCV001293925.4), dbSNP rs41303211, ClinGen allele CA327940150.
Genomic context (GRCh38, chrX:38,320,860, plus strand): 5'-GATGCTGTCCCATGATAGAATCCAAGAAAAGAAGCTTTTTCTTCAGCCATTTGACATTTA[C>T]GTGTATATTTGCAAAGGCAAACGTGTACTAGCCATTGACATTTTAAAAAACCCTAATTTT-3'

ClinVar aggregate classification (germline): Benign. Review status: reviewed by expert panel (3 of 4 stars). 3 submissions from 3 submitters: Benign (1). 2 of the submissions do not count toward it. Last evaluated 2025-09-06.

Conditions:
RPGR-related retinopathy. Also called: RPGR retinopathy. Identifiers: MedGen CN305589, MONDO:0100437.

Allele frequency attached by ClinVar (database versions not stated): 1000 Genomes Project 0.01854; 1000 Genomes Project 30x 0.02144; gnomAD 0.02465 and 0.02575; TOPMed 0.02679.
gnomAD v4.1: 2,756 of 112,807 alleles (2.4%); highest among the groups gnomAD compares: African/African-American, 6.3%; 50 homozygotes.

Submissions (3):

ClinGen X-linked Inherited Retinal Disease Variant Curation Expert Panel, ClinGen
Classification: Benign for RPGR-related retinopathy. Last evaluated: 2025-09-06. Review status: reviewed by expert panel. Criteria: ClinGen X LinkedIRD ACMG Specifications RPGR V1.0.0. Collection method: curation. Allele origin: germline. Inheritance: X-linked inheritance.
Comment: NM_001034853.2(RPGR):c.310+167G>A is an intron 4 variant that is located outside of the splice donor region (BP7). The splicing impact predictor SpliceAI gives a delta score of 0.00, which is below the ClinGen X-linked IRD VCEP recommended threshold of <0.1 and does not strongly predict an impact on splicing (BP4). This variant is present in gnomAD v4.1.0 at a frequency of 0.02328 among hemizygous individuals, with 814 variant alleles / 34,973 total alleles, which is higher than the ClinGen X-linked IRD VCEP BA1 threshold of >0.00005 (BA1). In summary, this variant is classified as benign for RPGR-related retinopathy based on the ClinGen X-linked Inherited Retinal Disease Expert Panel Specifications to the ACMG/AMP Variant Interpretation Guidelines for RPGR Version 1.0.0; BA1, BP4, and BP7.

GeneDx
Classification: Benign. Last evaluated: 2018-07-09. Review status: criteria provided, single submitter. Criteria: GeneDx Variant Classification Process June 2021. Collection method: clinical testing. Allele origin: germline. Affected: yes. Not counted in ClinVar's aggregate classification.

Breakthrough Genomics
Classification: Benign. Review status: criteria provided, single submitter. Criteria: ACMG Guidelines, 2015. Collection method: not provided. Allele origin: germline. Inheritance: X-linked inheritance. Affected: yes. Not counted in ClinVar's aggregate classification.